The following is an entry in ClinVar:

NM_024996.7(GFM1):c.841-520_878del

Gene: GFM1 (G elongation factor mitochondrial 1; plus strand). Cytogenetic location: 3q25.32.
Variant type: Deletion.
Coding change: c.841-520_878del on transcript NM_024996.7 (MANE Select); 520 bases into the intron before coding-DNA position 841 through coding-DNA position 878, 558 bases deleted.
Molecular consequence: splice acceptor variant.
Genome position (GRCh38, 1-based): chr3:158,652,790-158,653,347, 558 bases deleted. GRCh37 (hg19): chr3:158,370,579-158,371,136.
Other names: c.898-520_935del (NM_001308164.2, NM_001374355.1); c.616-520_653del (NM_001374357.1); c.724-520_761del (NM_001374356.1); c.274-520_311del (NM_001374359.1, NM_001374360.1); c.157-520_194del (NM_001374361.1); c.382-520_419del (NM_001374358.1); c.841-520_878del (NM_001308166.2).
Identifiers: ClinVar variation 1470789 (VCV001470789.6), dbSNP rs2108018519, ClinGen allele CA2573136681.

ClinVar aggregate classification (germline): Likely pathogenic (1 of 4 stars; one submission).

Submission:

Labcorp Genetics (formerly Invitae), Labcorp
Classification: Likely pathogenic. Last evaluated: 2021-11-23. Review status: criteria provided, single submitter. Criteria: Invitae Variant Classification Sherloc (09022015). Collection method: clinical testing. Allele origin: germline.
Comment: This variant results in the deletion of part of exon 7 (c.841-520_878del) of the GFM1 gene. It is expected to disrupt RNA splicing. Variants that disrupt the donor or acceptor splice site typically lead to a loss of protein function (PMID: 16199547), and loss-of-function variants in GFM1 are known to be pathogenic (PMID: 16632485, 17160893). This variant is not present in population databases (gnomAD no frequency). This variant has not been reported in the literature in individuals affected with GFM1-related conditions. In summary, the currently available evidence indicates that the variant is pathogenic, but additional data are needed to prove that conclusively. Therefore, this variant has been classified as Likely Pathogenic.

Literature cited by the submitters: PubMed 16199547; PubMed 16632485; PubMed 17160893.